The following is an entry in ClinVar:

ClinVar aggregate classification (germline): Pathogenic/Likely pathogenic. Review status: criteria provided, multiple submitters, no conflicts (2 of 4 stars). 2 submissions from 2 submitters: Pathogenic (1); Likely pathogenic (1). Last evaluated 2025-07-14.

Conditions:
Marfan syndrome (MFS). Also called: Marfan's syndrome; Marfan syndrome, classic; MARFAN SYNDROME, TYPE I; Marfan syndrome type 1; FBN1-Related Marfan Syndrome. Identifiers: Orphanet 284963, Orphanet 558, MedGen C0024796, MONDO:0007947, OMIM 154700.
Familial thoracic aortic aneurysm and aortic dissection (TAAD). Also called: Thoracic aortic aneurysms and dissections. Identifiers: Orphanet 91387, MedGen C4707243, MONDO:0019625.

Submissions (2):

Labcorp Genetics (formerly Invitae), Labcorp
Classification: Pathogenic for Marfan syndrome; Familial thoracic aortic aneurysm and aortic dissection. Last evaluated: 2025-07-14. Review status: criteria provided, single submitter. Criteria: Invitae Variant Classification Sherloc (09022015). Collection method: clinical testing. Allele origin: germline.
Comment: This sequence change replaces cysteine, which is neutral and slightly polar, with arginine, which is basic and polar, at codon 2070 of the FBN1 protein (p.Cys2070Arg). This variant is not present in population databases (gnomAD no frequency). This missense change has been observed in individuals with clinical features of Marfan syndrome (PMID: 36517271; internal data). ClinVar contains an entry for this variant (Variation ID: 1712055). Invitae Evidence Modeling of protein sequence and biophysical properties (such as structural, functional, and spatial information, amino acid conservation, physicochemical variation, residue mobility, and thermodynamic stability) indicates that this missense variant is expected to disrupt FBN1 protein function with a positive predictive value of 95%. This variant affects a cysteine residue in the EGF-like, TGFBP or hybrid motif domains of FBN1. Cysteine residues are believed to be involved in intramolecular disulfide bridges and have been shown to be important for FBN1 protein structure (PMID: 16905551, 19349279). In addition, missense substitutions affecting cysteine residues within these domains are significantly overrepresented among patients with Marfan syndrome (PMID: 16571647, 17701892). For these reasons, this variant has been classified as Pathogenic.

GeneDx
Classification: Likely pathogenic. Last evaluated: 2022-10-18. Review status: criteria provided, single submitter. Criteria: GeneDx Variant Classification Process June 2021. Collection method: clinical testing. Allele origin: germline. Affected: yes.
Comment: Affects a cysteine residue within a TGF-binding protein domain (aka TB domain or 8-Cysteine domain) and is expected to disrupt disulfide bonding within this domain; other missense substitutions that affect cysteine residues within this TGF-binding protein domain have been reported in association with various FBN1-related phenotypes, including Marfan syndrome (HGMD); Not observed at significant frequency in large population cohorts (gnomAD); In silico analysis supports that this missense variant has a deleterious effect on protein structure/function; Has not been previously published as pathogenic or benign to our knowledge

Literature cited by the submitters: PubMed 36517271 (cited by Labcorp Genetics (formerly Invitae), Labcorp); PubMed 16905551 (cited by Labcorp Genetics (formerly Invitae), Labcorp); PubMed 19349279 (cited by Labcorp Genetics (formerly Invitae), Labcorp); PubMed 16571647 (cited by Labcorp Genetics (formerly Invitae), Labcorp); PubMed 17701892 (cited by Labcorp Genetics (formerly Invitae), Labcorp).

NM_000138.5(FBN1):c.6208T>C (p.Cys2070Arg)

Gene: FBN1 (fibrillin 1; minus strand). Cytogenetic location: 15q21.1.
Variant type: single nucleotide variant.
Coding change: c.6208T>C on transcript NM_000138.5 (MANE Select); coding-DNA position 6208, T replaced by C.
Protein change: p.Cys2070Arg; replaces cysteine 2070 with arginine.
Molecular consequence: missense variant.
Genome position (GRCh38, 1-based): chr15:48,437,873, A>G on the plus strand (T>C on the coding strand, the complement: FBN1 is on the minus strand). VCF-style: chr15-48437873-A-G. GRCh37 (hg19) VCF-style: chr15-48730070-A-G.
Other names: c.6208T>C, p.Cys2070Arg (NM_001406716.1); short protein forms C2070R.
Identifiers: ClinVar variation 1712055 (VCV001712055.5), dbSNP rs2505438794, ClinGen allele CA392337149.